The following is an entry in ClinVar:

ClinVar aggregate classification (germline): Conflicting classifications of pathogenicity. Review status: criteria provided, conflicting classifications (1 of 4 stars). 7 submissions from 7 submitters: Uncertain significance (5); Likely benign (2). Last evaluated 2026-08-01.

Conditions:
Inborn genetic diseases. Identifiers: MedGen C0950123, MeSH D030342.
Epidermolysis bullosa simplex 5C, with pyloric atresia (EBS5C). Also called: PLEC-Related Epidermolysis Bullosa with Pyloric Atresia; PLEC1-Related Epidermolysis Bullosa with Pyloric Atresia; Epidermolysis bullosa simplex with pyloric atresia. Identifiers: Orphanet 158684, MedGen C2677349, MONDO:0012807, OMIM 612138.
Autosomal recessive limb-girdle muscular dystrophy type 2Q (LGMDR17). Also called: MUSCULAR DYSTROPHY, LIMB-GIRDLE, AUTOSOMAL RECESSIVE 17. Identifiers: Orphanet 254361, MedGen C3150989, MONDO:0013390, OMIM 613723.
Epidermolysis bullosa simplex with nail dystrophy (EBS5D). Identifiers: MedGen C4225309, MONDO:0014661, OMIM 616487.
Epidermolysis bullosa simplex, Ogna type (EBS5A). Also called: Pidermolysis bullosa simplex 5A, Ogna type; EPIDERMOLYSIS BULLOSA SIMPLEX 5A, OGNA TYPE. Identifiers: Orphanet 79401, MedGen C0432317, MONDO:0007555, OMIM 131950.
Epidermolysis bullosa simplex 5B, with muscular dystrophy (EBS5B). Also called: EPIDERMOLYSIS BULLOSA SIMPLEX AND LIMB-GIRDLE MUSCULAR DYSTROPHY; Epidermolysis bullosa simplex with muscular dystrophy. Identifiers: Orphanet 257, MedGen C2931072, MONDO:0009181, OMIM 226670.

Allele frequency attached by ClinVar (database versions not stated): ExAC 0.00010; gnomAD exomes 0.00010; ESP Exome Variant Server 0.00016; TOPMed 0.00017; gnomAD 0.00025 and 0.00027.
gnomAD v4.1: 162 of 1,613,842 alleles (0.01%); highest among the groups gnomAD compares: Admixed American, 0.038%; no homozygotes.

Submissions (7):

CeGaT Center for Human Genetics Tuebingen
Classification: Uncertain significance. Last evaluated: 2026-08-01. Review status: criteria provided, single submitter. Criteria: CeGaT Center For Human Genetics Tuebingen Variant Classification Criteria Version 2. Collection method: clinical testing. Allele origin: germline. Affected: yes. Observed: 1 variant allele.
Comment: PLEC: PM2, PM5, BP4

Labcorp Genetics (formerly Invitae), Labcorp
Classification: Uncertain significance for Autosomal recessive limb-girdle muscular dystrophy type 2Q; Epidermolysis bullosa simplex, Ogna type; Epidermolysis bullosa simplex with nail dystrophy; Epidermolysis bullosa simplex 5C, with pyloric atresia; Epidermolysis bullosa simplex 5B, with muscular dystrophy. Last evaluated: 2025-11-21. Review status: criteria provided, single submitter. Criteria: Invitae Variant Classification Sherloc (09022015). Collection method: clinical testing. Allele origin: germline.
Comment: This sequence change replaces arginine, which is basic and polar, with histidine, which is basic and polar, at codon 3527 of the PLEC protein (p.Arg3527His). This variant is present in population databases (rs201387815, gnomAD 0.04%). This variant has not been reported in the literature in individuals affected with PLEC-related conditions. ClinVar contains an entry for this variant (Variation ID: 478584). Invitae Evidence Modeling of protein sequence and biophysical properties (such as structural, functional, and spatial information, amino acid conservation, physicochemical variation, residue mobility, and thermodynamic stability) indicates that this missense variant is not expected to disrupt PLEC protein function with a negative predictive value of 80%. In summary, the available evidence is currently insufficient to determine the role of this variant in disease. Therefore, it has been classified as a Variant of Uncertain Significance.

Blueprint Genetics
Classification: Likely benign. Last evaluated: 2024-09-05. Review status: criteria provided, single submitter. Criteria: ACMG Guidelines, 2015. Collection method: clinical testing. Allele origin: germline.

Revvity Omics, Revvity
Classification: Uncertain significance. Last evaluated: 2022-08-17. Review status: criteria provided, single submitter. Criteria: ACMG Guidelines, 2015. Collection method: clinical testing. Allele origin: germline.

Ambry Genetics
Classification: Uncertain significance for Inborn genetic diseases. Last evaluated: 2021-10-06. Review status: criteria provided, single submitter. Criteria: Ambry Variant Classification Scheme 2023. Collection method: clinical testing. Allele origin: germline.

GeneDx
Classification: Likely benign. Last evaluated: 2019-04-16. Review status: criteria provided, single submitter. Criteria: GeneDx Variant Classification Process June 2021. Collection method: clinical testing. Allele origin: germline. Affected: yes.

Eurofins Ntd Llc (ga)
Classification: Uncertain significance. Last evaluated: 2017-12-28. Review status: criteria provided, single submitter. Criteria: EGL Classification Definitions 2015. Collection method: clinical testing. Allele origin: germline. Observed: 2 variant alleles, 2 heterozygotes.

NM_201384.3(PLEC):c.10499G>A (p.Arg3500His)

Gene: PLEC (plectin; minus strand). Cytogenetic location: 8q24.3.
Variant type: single nucleotide variant.
Coding change: c.10499G>A on transcript NM_201384.3 (MANE Select); coding-DNA position 10499, G replaced by A.
Protein change: p.Arg3500His; replaces arginine 3500 with histidine.
Molecular consequence: missense variant.
Genome position (GRCh38, 1-based): chr8:143,919,322, C>T on the plus strand (G>A on the coding strand, the complement: PLEC is on the minus strand). VCF-style: chr8-143919322-C-T. GRCh37 (hg19) VCF-style: chr8-144993490-C-T.
Other names: c.10580G>A, p.Arg3527His (NM_000445.5); c.10457G>A, p.Arg3486His (NM_201378.4); c.10433G>A, p.Arg3478His (NM_201379.3); c.10910G>A, p.Arg3637His (NM_201380.4); c.10403G>A, p.Arg3468His (NM_201381.3); c.10499G>A, p.Arg3500His (NM_201382.4); c.10511G>A, p.Arg3504His (NM_201383.3); short protein forms R3486H, R3468H, R3500H, R3527H, R3637H, R3478H, R3504H.
Identifiers: ClinVar variation 478584 (VCV000478584.31), dbSNP rs201387815, ClinGen allele CA4924629.